The following is an entry in ClinVar:

ClinVar aggregate classification (germline): Uncertain significance (1 of 4 stars; one submission).

Allele frequency attached by ClinVar (database versions not stated): ExAC 0.00001; gnomAD exomes 0.00001 and 0.00002; gnomAD 0.00003.
gnomAD v4.1: 33 of 1,613,002 alleles (0.002%); highest among the groups gnomAD compares: Non-Finnish European, 0.0025%; no homozygotes.

Submission:

Labcorp Genetics (formerly Invitae), Labcorp
Classification: Uncertain significance. Last evaluated: 2022-07-26. Review status: criteria provided, single submitter. Criteria: Invitae Variant Classification Sherloc (09022015). Collection method: clinical testing. Allele origin: germline.
Comment: This sequence change replaces arginine, which is basic and polar, with histidine, which is basic and polar, at codon 87 of the IFT81 protein (p.Arg87His). This variant is present in population databases (rs770988000, gnomAD 0.006%). This variant has not been reported in the literature in individuals affected with IFT81-related conditions. ClinVar contains an entry for this variant (Variation ID: 1504793). Algorithms developed to predict the effect of missense changes on protein structure and function (SIFT, PolyPhen-2, Align-GVGD) all suggest that this variant is likely to be disruptive. In summary, the available evidence is currently insufficient to determine the role of this variant in disease. Therefore, it has been classified as a Variant of Uncertain Significance.

NM_014055.4(IFT81):c.260G>A (p.Arg87His)

Gene: IFT81 (intraflagellar transport 81; plus strand). Cytogenetic location: 12q24.11.
Variant type: single nucleotide variant.
Coding change: c.260G>A on transcript NM_014055.4 (MANE Select); coding-DNA position 260, G replaced by A.
Protein change: p.Arg87His; replaces arginine 87 with histidine.
Molecular consequence: missense variant. On other transcripts: 5 prime UTR variant (2), non-coding transcript variant (4).
Genome position (GRCh38, 1-based): chr12:110,128,961, G>A. VCF-style: chr12-110128961-G-A. GRCh37 (hg19) VCF-style: chr12-110566766-G-A.
Other names: c.260G>A, p.Arg87His (NM_001143779.2, NM_001347946.2, NM_031473.4); c.-507G>A (NM_001347947.2, NM_001347948.2); short protein forms R87H.
Identifiers: ClinVar variation 1504793 (VCV001504793.3), dbSNP rs770988000, ClinGen allele CA6783049.